The following is an entry in ClinVar:

NM_000553.6(WRN):c.2304C>G (p.Ile768Met)

Gene: WRN (WRN RecQ like helicase; plus strand). Cytogenetic location: 8p12.
Variant type: single nucleotide variant.
Coding change: c.2304C>G on transcript NM_000553.6 (MANE Select); coding-DNA position 2304, C replaced by G.
Protein change: p.Ile768Met; replaces isoleucine 768 with methionine.
Molecular consequence: missense variant.
Genome position (GRCh38, 1-based): chr8:31,116,384, C>G. VCF-style: chr8-31116384-C-G. GRCh37 (hg19) VCF-style: chr8-30973900-C-G.
Other names: short protein forms I768M.
Identifiers: ClinVar variation 1000527 (VCV001000527.5), dbSNP rs1801518772, ClinGen allele CA370913439.

ClinVar aggregate classification (germline): Uncertain significance (1 of 4 stars; one submission).

Conditions:
Werner syndrome (WRN). Identifiers: Orphanet 902, MedGen C0043119, MONDO:0010196, OMIM 277700.

Submission:

Labcorp Genetics (formerly Invitae), Labcorp
Classification: Uncertain significance for Werner syndrome. Last evaluated: 2025-07-21. Review status: criteria provided, single submitter. Criteria: Invitae Variant Classification Sherloc (09022015). Collection method: clinical testing. Allele origin: germline.
Comment: This sequence change replaces isoleucine, which is neutral and non-polar, with methionine, which is neutral and non-polar, at codon 768 of the WRN protein (p.Ile768Met). This variant is not present in population databases (gnomAD no frequency). This variant has not been reported in the literature in individuals affected with WRN-related conditions. ClinVar contains an entry for this variant (Variation ID: 1000527). An algorithm developed to predict the effect of missense changes on protein structure and function (PolyPhen-2) suggests that this variant is likely to be disruptive. In summary, the available evidence is currently insufficient to determine the role of this variant in disease. Therefore, it has been classified as a Variant of Uncertain Significance.